The following is an entry in ClinVar:

NM_001364905.1(LRBA):c.1898G>A (p.Arg633Gln)

Gene: LRBA (LPS responsive beige-like anchor protein; minus strand). Cytogenetic location: 4q31.3.
Variant type: single nucleotide variant.
Coding change: c.1898G>A on transcript NM_001364905.1 (MANE Select); coding-DNA position 1898, G replaced by A.
Protein change: p.Arg633Gln; replaces arginine 633 with glutamine.
Molecular consequence: missense variant.
Genome position (GRCh38, 1-based): chr4:150,900,075, C>T on the plus strand (G>A on the coding strand, the complement: LRBA is on the minus strand). VCF-style: chr4-150900075-C-T. GRCh37 (hg19) VCF-style: chr4-151821227-C-T.
Other names: c.1898G>A, p.Arg633Gln (NM_001199282.3, NM_001367550.1, NM_006726.5); short protein forms R633Q.
Identifiers: ClinVar variation 1038424 (VCV001038424.7), dbSNP rs892315382, ClinGen allele CA107816289.

ClinVar aggregate classification (germline): Uncertain significance (1 of 4 stars; one submission).

Conditions:
Combined immunodeficiency due to LRBA deficiency. Also called: Common variable immunodeficiency 8, with autoimmunity. Identifiers: Orphanet 445018, MedGen C3553512, MONDO:0013863, OMIM 614700.

Allele frequency attached by ClinVar (database versions not stated): gnomAD exomes 0.00001; gnomAD 0.00002 and 0.00003; TOPMed 0.00002.
gnomAD v4.1: 49 of 1,613,014 alleles (0.003%); highest among the groups gnomAD compares: Non-Finnish European, 0.004%; no homozygotes.

Submission:

Labcorp Genetics (formerly Invitae), Labcorp
Classification: Uncertain significance for Combined immunodeficiency due to LRBA deficiency. Last evaluated: 2025-10-23. Review status: criteria provided, single submitter. Criteria: Invitae Variant Classification Sherloc (09022015). Collection method: clinical testing. Allele origin: germline.
Comment: This sequence change replaces arginine, which is basic and polar, with glutamine, which is neutral and polar, at codon 633 of the LRBA protein (p.Arg633Gln). This variant is present in population databases (no rsID available, gnomAD 0.002%). This variant has not been reported in the literature in individuals affected with LRBA-related conditions. ClinVar contains an entry for this variant (Variation ID: 1038424). Invitae Evidence Modeling of protein sequence and biophysical properties (such as structural, functional, and spatial information, amino acid conservation, physicochemical variation, residue mobility, and thermodynamic stability) indicates that this missense variant is expected to disrupt LRBA protein function with a positive predictive value of 80%. In summary, the available evidence is currently insufficient to determine the role of this variant in disease. Therefore, it has been classified as a Variant of Uncertain Significance.